The following is an entry in ClinVar:

NM_002691.4(POLD1):c.1392G>T (p.Leu464=)

Gene: POLD1 (DNA polymerase delta 1, catalytic subunit; plus strand). Cytogenetic location: 19q13.33.
Variant type: single nucleotide variant.
Coding change: c.1392G>T on transcript NM_002691.4 (MANE Select); coding-DNA position 1392, G replaced by T.
Protein change: p.Leu464=; no amino-acid change (leucine 464 retained).
Molecular consequence: synonymous variant. On other transcripts: non-coding transcript variant (1).
Genome position (GRCh38, 1-based): chr19:50,406,415, G>T. VCF-style: chr19-50406415-G-T. GRCh37 (hg19) VCF-style: chr19-50909672-G-T.
Other names: c.1392G>T, p.Leu464= (NM_001256849.1, NM_001308632.1).
Identifiers: ClinVar variation 3904297 (VCV003904297.1).

ClinVar aggregate classification (germline): Benign (1 of 4 stars; one submission).

Conditions:
POLD1-related polyposis and colorectal cancer syndrome (CRCS10). Also called: Colorectal cancer 10; COLORECTAL CANCER, SUSCEPTIBILITY TO, ON CHROMOSOME 19q; Colorectal cancer, susceptibility to, 10. Identifiers: Orphanet 220460, MedGen C2675481, MONDO:0012953, OMIM 612591.

Submission:

Myriad Genetics, Inc.
Classification: Benign for POLD1-related polyposis and colorectal cancer syndrome. Last evaluated: 2025-02-06. Review status: criteria provided, single submitter. Criteria: Myriad Autosomal Dominant, Autosomal Recessive and X-Linked Classification Criteria (2023). Collection method: clinical testing. Allele origin: unknown.
Comment: This variant is considered benign. This variant is a silent/synonymous amino acid change and it is not expected to impact splicing.